The following is an entry in ClinVar:

ClinVar aggregate classification (germline): Pathogenic/Likely pathogenic. Review status: criteria provided, multiple submitters, no conflicts (2 of 4 stars). 5 submissions from 5 submitters: Pathogenic (3); Likely pathogenic (2). Last evaluated 2025-02-26.

Conditions:
Hereditary cancer-predisposing syndrome. Also called: Neoplastic Syndromes, Hereditary; Hereditary Cancer Syndrome; Hereditary neoplastic syndrome; Tumor predisposition. Identifiers: Orphanet 140162, MedGen C0027672, MeSH D009386, MONDO:0015356.
Multiple endocrine neoplasia, type 1 (MEN1). Also called: MEN I; WERMER SYNDROME; Endocrine adenomatosis multiple; MEN 1; MEA I. Identifiers: Orphanet 652, MedGen C0025267, MeSH D018761, MONDO:0007540, OMIM 131100.

Submissions (5):

Myriad Genetics, Inc.
Classification: Likely pathogenic for Multiple endocrine neoplasia, type 1. Last evaluated: 2025-02-26. Review status: criteria provided, single submitter. Criteria: Myriad Autosomal Dominant, Autosomal Recessive and X-Linked Classification Criteria (2023). Collection method: clinical testing. Allele origin: unknown.
Comment: This variant is considered likely pathogenic. This variant occurs within a consensus splice junction and is predicted to result in abnormal mRNA splicing of either an out-of-frame exon or an in-frame exon necessary for protein stability and/or normal function.

Quest Diagnostics Nichols Institute San Juan Capistrano
Classification: Pathogenic. Last evaluated: 2024-09-11. Review status: criteria provided, single submitter. Criteria: Quest Diagnostics criteria. Collection method: clinical testing. Allele origin: unknown.
Comment: The MEN1 c.655-1G>C variant disrupts a canonical splice-acceptor site and interferes with normal MEN1 mRNA splicing. This variant has been reported in the published literature in an individual with multiple endocrine neoplasia type 1 (MEN1) syndrome (PMID: 15714081 (2005)). In addition, different variants at the sample position (MEN1 c.655-1G>T) have been identified in individuals with MEN1 (PMID: 22026581 (2012), 9709985 (1998)). This variant has not been reported in large, multi-ethnic general populations (Genome Aggregation Database). Based on the available information, this variant is classified as pathogenic.

GeneDx
Classification: Likely pathogenic. Last evaluated: 2022-08-31. Review status: criteria provided, single submitter. Criteria: GeneDx Variant Classification Process June 2021. Collection method: clinical testing. Allele origin: germline. Affected: yes.
Comment: Canonical splice site variant expected to result in aberrant splicing, although in the absence of functional evidence the actual effect of this sequence change is unknown; Observed in patients with a personal or family history consistent with pathogenic MEN1 variants referred for genetic testing at GeneDx and in published literature (Marini et al., 2018); Not observed at significant frequency in large population cohorts (gnomAD); Also known as c.670-1 G>C; This variant is associated with the following publications: (PMID: 12874027, 9989505, 15464422, 29497973)

Labcorp Genetics (formerly Invitae), Labcorp
Classification: Pathogenic for Multiple endocrine neoplasia, type 1. Last evaluated: 2021-11-17. Review status: criteria provided, single submitter. Criteria: Invitae Variant Classification Sherloc (09022015). Collection method: clinical testing. Allele origin: germline.
Comment: For these reasons, this variant has been classified as Pathogenic. Algorithms developed to predict the effect of sequence changes on RNA splicing suggest that this variant may disrupt the consensus splice site. ClinVar contains an entry for this variant (Variation ID: 826480). This variant is also known as c.765-1G>C. Disruption of this splice site has been observed in individuals with multiple endocrine neoplasia type 1 (PMID: 9709985, 22026581, 29497973). This variant is not present in population databases (gnomAD no frequency). This sequence change affects an acceptor splice site in intron 3 of the MEN1 gene. It is expected to disrupt RNA splicing. Variants that disrupt the donor or acceptor splice site typically lead to a loss of protein function (PMID: 16199547), and loss-of-function variants in MEN1 are known to be pathogenic (PMID: 12112656, 17853334).

Ambry Genetics
Classification: Pathogenic for Hereditary cancer-predisposing syndrome. Last evaluated: 2019-09-25. Review status: criteria provided, single submitter. Criteria: Ambry Variant Classification Scheme 2023. Collection method: clinical testing. Allele origin: germline.
Comment: The c.655-1G>C intronic pathogenic mutation results from a G to C substitution one nucleotide upstream from coding exon 3 of the MEN1 gene. This alteration has been detected in multiple individuals with multiple endocrine neoplasia type 1 (MEN1) syndrome (Balogh K et al. Mol. Genet. Metab.;83:74-81; Ambry internal data). Of note, this alteration has been reported as 765-1G>C in published literature. In addition to the clinical data presented in the literature, alterations that disrupt the canonical splice site are expected to cause aberrant splicing, resulting in an abnormal protein or a transcript that is subject to nonsense-mediated mRNA decay. As such, this alteration is classified as a disease-causing mutation.

Literature cited by the submitters: PubMed 15464422 (cited by Quest Diagnostics Nichols Institute San Juan Capistrano and Ambry Genetics); PubMed 22026581 (cited by Quest Diagnostics Nichols Institute San Juan Capistrano and Labcorp Genetics (formerly Invitae), Labcorp); PubMed 9709985 (cited by Quest Diagnostics Nichols Institute San Juan Capistrano and Labcorp Genetics (formerly Invitae), Labcorp); PubMed 15714081 (cited by Quest Diagnostics Nichols Institute San Juan Capistrano); PubMed 29497973 (cited by Labcorp Genetics (formerly Invitae), Labcorp); PubMed 16199547 (cited by Labcorp Genetics (formerly Invitae), Labcorp); PubMed 12112656 (cited by Labcorp Genetics (formerly Invitae), Labcorp); PubMed 17853334 (cited by Labcorp Genetics (formerly Invitae), Labcorp).

NM_001370259.2(MEN1):c.655-1G>C

Gene: MEN1 (menin 1; minus strand). Cytogenetic location: 11q13.1.
Variant type: single nucleotide variant.
Coding change: c.655-1G>C on transcript NM_001370259.2 (MANE Select); the canonical splice acceptor site of the intron before coding-DNA position 655, G replaced by C.
Molecular consequence: splice acceptor variant.
Genome position (GRCh38, 1-based): chr11:64,807,681, C>G on the plus strand (G>C on the coding strand, the complement: MEN1 is on the minus strand). VCF-style: chr11-64807681-C-G. GRCh37 (hg19) VCF-style: chr11-64575153-C-G.
Other names: c.670-1G>C (NM_000244.4, NM_130801.3, NM_130802.3 and 5 more transcripts); c.550-1G>C (NM_001407149.1, NM_001407151.1, NM_001370263.2 and 2 more transcripts); c.655-1G>C (NM_001370260.2, NM_001370251.2, NM_001407152.1 and 7 more transcripts).
Identifiers: ClinVar variation 826480 (VCV000826480.13), dbSNP rs1592649615, ClinGen allele CA381185254.